The following is an entry in ClinVar:

NM_001734.5(C1S):c.1043G>A (p.Ser348Asn)

Gene: C1S (complement C1s; plus strand). Cytogenetic location: 12p13.31.
Variant type: single nucleotide variant.
Coding change: c.1043G>A on transcript NM_001734.5 (MANE Select); coding-DNA position 1043, G replaced by A.
Protein change: p.Ser348Asn; replaces serine 348 with asparagine.
Molecular consequence: missense variant.
Genome position (GRCh38, 1-based): chr12:7,067,094, G>A. VCF-style: chr12-7067094-G-A. GRCh37 (hg19) VCF-style: chr12-7174398-G-A.
Other names: c.542G>A, p.Ser181Asn (NM_001346850.2); c.1043G>A, p.Ser348Asn (NM_201442.4); short protein forms S181N, S348N.
Identifiers: ClinVar variation 3040048 (VCV003040048.2), dbSNP rs1937687002, ClinGen allele CA383700169.

ClinVar aggregate classification (germline): Uncertain significance (0 of 4 stars; one submission).

Conditions:
C1S-related disorder. Also called: C1S-related condition.

Allele frequency attached by ClinVar (database versions not stated): gnomAD exomes below 0.00001.
gnomAD v4.1: 4 of 1,608,938 alleles (0.00025%); highest among the groups gnomAD compares: Non-Finnish European, 0.00026%; no homozygotes.

Submission:

PreventionGenetics, part of Exact Sciences
Classification: Uncertain significance for C1S-related condition. Last evaluated: 2023-11-16. Review status: no assertion criteria provided. Collection method: clinical testing. Allele origin: germline.
Comment: The C1S c.1043G>A variant is predicted to result in the amino acid substitution p.Ser348Asn. To our knowledge, this variant has not been reported in the literature or in a large population database, indicating this variant is rare. At this time, the clinical significance of this variant is uncertain due to the absence of conclusive functional and genetic evidence.